The following is an entry in ClinVar:

NM_144687.4(NLRP12):c.*118G>A

Gene: NLRP12 (NLR family pyrin domain containing 12; minus strand). Cytogenetic location: 19q13.42.
Variant type: single nucleotide variant.
Coding change: c.*118G>A on transcript NM_144687.4 (MANE Select); 118 bases downstream of the stop codon, G replaced by A.
Molecular consequence: 3 prime UTR variant.
Genome position (GRCh38, 1-based): chr19:53,793,931, C>T on the plus strand (G>A on the coding strand, the complement: NLRP12 is on the minus strand). VCF-style: chr19-53793931-C-T. GRCh37 (hg19) VCF-style: chr19-54297185-C-T.
Other names: c.*118G>A (NM_001277126.2, NM_001277129.1).
Identifiers: ClinVar variation 329996 (VCV000329996.5), dbSNP rs143930342, ClinGen allele CA10652212.
Genomic context (GRCh38, chr19:53,793,931, plus strand): 5'-CACCACGCCTGGCCAGCTCTGTCAAACATTAATTTGATCCCAAGCAGAGGGACTTTTGAT[C>T]TCAATCTGCATGAGTCTGTCTCTAGGAAGGAGGCTGATCATTATGCTGGGGGGGTGATGA-3'

ClinVar aggregate classification (germline): Benign (1 of 4 stars; one submission).

Conditions:
Familial cold autoinflammatory syndrome 2 (FCAS2). Identifiers: Orphanet 247868, MedGen C2673198, MONDO:0012724, OMIM 611762.

Allele frequency attached by ClinVar (database versions not stated): gnomAD exomes 0.00007; 1000 Genomes Project 30x 0.00047; gnomAD 0.00048 and 0.00051; 1000 Genomes Project 0.00060; TOPMed 0.00062.
gnomAD v4.1: 119 of 801,690 alleles (0.015%); highest among the groups gnomAD compares: African/African-American, 0.17%; 1 homozygote.

Submission:

Illumina Laboratory Services, Illumina
Classification: Benign for Familial cold autoinflammatory syndrome 2. Last evaluated: 2018-01-13. Review status: criteria provided, single submitter. Criteria: ICSL Variant Classification Criteria 13 December 2019. Collection method: clinical testing. Allele origin: germline.
Comment: This variant was observed in the ICSL laboratory as part of a predisposition screen in an ostensibly healthy population. It had not been previously curated by ICSL or reported in the Human Gene Mutation Database (HGMD: prior to June 1st, 2018), and was therefore a candidate for classification through an automated scoring system. Utilizing variant allele frequency, disease prevalence and penetrance estimates, and inheritance mode, an automated score was calculated to assess if this variant is too frequent to cause the disease. Based on the score and internal cut-off values, a variant classified as benign is not then subjected to further curation. The score for this variant resulted in a classification of benign for this disease.